The following is an entry in ClinVar:

NM_005732.4(RAD50):c.1772G>C (p.Arg591Thr)

Gene: RAD50 (RAD50 double strand break repair protein; plus strand). Cytogenetic location: 5q31.1.
Variant type: single nucleotide variant.
Coding change: c.1772G>C on transcript NM_005732.4 (MANE Select); coding-DNA position 1772, G replaced by C.
Protein change: p.Arg591Thr; replaces arginine 591 with threonine.
Molecular consequence: missense variant.
Genome position (GRCh38, 1-based): chr5:132,592,013, G>C. VCF-style: chr5-132592013-G-C. GRCh37 (hg19) VCF-style: chr5-131927705-G-C.
Other names: short protein forms R591T.
Identifiers: ClinVar variation 232636 (VCV000232636.14), dbSNP rs876659890, ClinGen allele CA10578539.

ClinVar aggregate classification (germline): Uncertain significance. Review status: criteria provided, multiple submitters, no conflicts (2 of 4 stars). 2 submissions from 2 submitters: Uncertain significance (2). Last evaluated 2022-12-20.

Conditions:
Hereditary cancer-predisposing syndrome. Also called: Neoplastic Syndromes, Hereditary; Tumor predisposition; Hereditary Cancer Syndrome; Hereditary neoplastic syndrome. Identifiers: Orphanet 140162, MedGen C0027672, MeSH D009386, MONDO:0015356.

Allele frequency attached by ClinVar (database versions not stated): gnomAD exomes below 0.00001.
gnomAD v4.1: 1 of 1,613,060 alleles (0.000062%); highest among the groups gnomAD compares: Non-Finnish European, 0.000085%; no homozygotes.

Submissions (2):

Labcorp Genetics (formerly Invitae), Labcorp
Classification: Uncertain significance for Hereditary cancer-predisposing syndrome. Last evaluated: 2022-12-20. Review status: criteria provided, single submitter. Criteria: Invitae Variant Classification Sherloc (09022015). Collection method: clinical testing. Allele origin: germline.
Comment: In summary, the available evidence is currently insufficient to determine the role of this variant in disease. Therefore, it has been classified as a Variant of Uncertain Significance. Advanced modeling of protein sequence and biophysical properties (such as structural, functional, and spatial information, amino acid conservation, physicochemical variation, residue mobility, and thermodynamic stability) has been performed at Invitae for this missense variant, however the output from this modeling did not meet the statistical confidence thresholds required to predict the impact of this variant on RAD50 protein function. ClinVar contains an entry for this variant (Variation ID: 232636). This variant has not been reported in the literature in individuals affected with RAD50-related conditions. This variant is not present in population databases (gnomAD no frequency). This sequence change replaces arginine, which is basic and polar, with threonine, which is neutral and polar, at codon 591 of the RAD50 protein (p.Arg591Thr).

Ambry Genetics
Classification: Uncertain significance for Hereditary cancer-predisposing syndrome. Last evaluated: 2015-06-24. Review status: criteria provided, single submitter. Criteria: Ambry Variant Classification Scheme 2023. Collection method: clinical testing. Allele origin: germline.
Comment: The p.R591T variant (also known as c.1772G>C), located in coding exon 11 of the RAD50 gene, results from a G to C substitution at nucleotide position 1772. The arginine at codon 591 is replaced by threonine, an amino acid with similar properties. This variant was not reported in population based cohorts in the following databases: Database of Single Nucleotide Polymorphisms (dbSNP), NHLBI Exome Sequencing Project (ESP), and 1000 Genomes Project. In the ESP, this variant was not observed in 6503 samples (13006 alleles) with coverage at this position. To date, this alteration has been detected with an allele frequency of approximately 0.002% (greater than 65000 alleles tested) in our clinical cohort. This amino acid position is highly conserved in available vertebrate species. In addition, the in silico prediction for this alteration is inconclusive. Since supporting evidence is limited at this time, the clinical significance of p.R591T remains unclear.